The following is an entry in ClinVar:

ClinVar aggregate classification (germline): Benign/Likely benign. Review status: criteria provided, multiple submitters, no conflicts (2 of 4 stars). 4 submissions from 4 submitters: Benign (3); Likely benign (1). Last evaluated 2026-02-02.

Conditions:
Osteopetrosis. Identifiers: Orphanet 2781, MedGen C0029454, MONDO:0017198, HP:0011002.

Allele frequency attached by ClinVar (database versions not stated): gnomAD exomes 0.00058 and 0.00123; ExAC 0.00321; ESP Exome Variant Server 0.00577; gnomAD 0.00586; TOPMed 0.00642; 1000 Genomes Project 0.00659; 1000 Genomes Project 30x 0.00781.
gnomAD v4.1: 1,668 of 1,587,548 alleles (0.11%); highest among the groups gnomAD compares: African/African-American, 2%; 16 homozygotes.

Submissions (4):

Labcorp Genetics (formerly Invitae), Labcorp
Classification: Benign. Last evaluated: 2026-02-02. Review status: criteria provided, single submitter. Criteria: Invitae Variant Classification Sherloc (09022015). Collection method: clinical testing. Allele origin: germline.

Blueprint Genetics
Classification: Likely benign. Last evaluated: 2024-11-15. Review status: criteria provided, single submitter. Criteria: ACMG Guidelines, 2015. Collection method: clinical testing. Allele origin: germline.

Illumina Laboratory Services, Illumina
Classification: Benign for Osteopetrosis. Last evaluated: 2018-01-13. Review status: criteria provided, single submitter. Criteria: ICSL Variant Classification Criteria 13 December 2019. Collection method: clinical testing. Allele origin: germline.
Comment: This variant was observed in the ICSL laboratory as part of a predisposition screen in an ostensibly healthy population. It had not been previously curated by ICSL or reported in the Human Gene Mutation Database (HGMD: prior to June 1st, 2018), and was therefore a candidate for classification through an automated scoring system. Utilizing variant allele frequency, disease prevalence and penetrance estimates, and inheritance mode, an automated score was calculated to assess if this variant is too frequent to cause the disease. Based on the score and internal cut-off values, a variant classified as benign is not then subjected to further curation. The score for this variant resulted in a classification of benign for this disease.

Breakthrough Genomics
Classification: Benign. Review status: criteria provided, single submitter. Criteria: ACMG Guidelines, 2015. Collection method: not provided. Allele origin: germline. Inheritance: Autosomal recessive inheritance. Affected: yes.

NM_001287.6(CLCN7):c.1617+13G>A

Gene: CLCN7 (Cl-/H+ antiporter 7; minus strand). Cytogenetic location: 16p13.3.
Variant type: single nucleotide variant.
Coding change: c.1617+13G>A on transcript NM_001287.6 (MANE Select); 13 bases into the intron after coding-DNA position 1617, G replaced by A.
Molecular consequence: intron variant.
Genome position (GRCh38, 1-based): chr16:1,450,484, C>T on the plus strand (G>A on the coding strand, the complement: CLCN7 is on the minus strand). VCF-style: chr16-1450484-C-T. GRCh37 (hg19) VCF-style: chr16-1500485-C-T.
Other names: c.1545+13G>A (NM_001114331.3).
Identifiers: ClinVar variation 317947 (VCV000317947.15), dbSNP rs58998621, ClinGen allele CA7810156.
Genomic context (GRCh38, chr16:1,450,484, plus strand): 5'-TGCTCCGGCCCGCGATGCCGCAAGACCTGGCTCAGCTGCAGGGCCCCACAGCCTCCCCTC[C>T]GGCCCCACTCACCGCCGCCCCCGTGAGGTAGGACAGGGAGATCCCAAAGAGCCGGCCCCA-3'